The following is an entry in ClinVar:

NM_001010867.4(IBA57):c.566C>T (p.Pro189Leu)

Gene: IBA57 (iron-sulfur cluster assembly factor IBA57; plus strand). Cytogenetic location: 1q42.13.
Variant type: single nucleotide variant.
Coding change: c.566C>T on transcript NM_001010867.4 (MANE Select); coding-DNA position 566, C replaced by T.
Protein change: p.Pro189Leu; replaces proline 189 with leucine.
Molecular consequence: missense variant. On other transcripts: 5 prime UTR variant (1).
Genome position (GRCh38, 1-based): chr1:228,174,916, C>T. VCF-style: chr1-228174916-C-T. GRCh37 (hg19) VCF-style: chr1-228362617-C-T.
Other names: c.566C>T (NM_001010867.2); c.-14C>T (NM_001310327.2); short protein forms P189L.
Identifiers: ClinVar variation 1382888 (VCV001382888.9), dbSNP rs1403342810, ClinGen allele CA345113578.
Genomic context (GRCh38, chr1:228,174,916, plus strand): 5'-CCTGCGGGGCTGCATCGCTGCAGGAGAGGGCAGGGGCTGCCGCCATCCTCATCCGCGACC[C>T]GCGAACAGCACGCATGGGGTGGCGGCTCCTCACCCAGGATGAAGGCCCAGCCCTGGTGCC-3'
Protein context (NP_001010867.1, residues 179-199): AGAAAILIRD[Pro189Leu]RTARMGWRLL

ClinVar aggregate classification (germline): Uncertain significance. Review status: criteria provided, multiple submitters, no conflicts (2 of 4 stars). 2 submissions from 2 submitters: Uncertain significance (2). Last evaluated 2024-12-09.

Conditions:
Multiple mitochondrial dysfunctions syndrome 3 (MMDS3). Identifiers: Orphanet 363424, MedGen C3809165, MONDO:0014132, OMIM 615330.
Hereditary spastic paraplegia 74. Also called: Spastic paraplegia 74, autosomal recessive. Identifiers: Orphanet 468661, MedGen C5568837, MONDO:0014644, OMIM 616451.

Allele frequency attached by ClinVar (database versions not stated): gnomAD exomes 0.00001 and below 0.00001; TOPMed 0.00002.
gnomAD v4.1: 7 of 1,599,704 alleles (0.00044%); highest among the groups gnomAD compares: Admixed American, 0.0017%; no homozygotes.

Submissions (2):

Labcorp Genetics (formerly Invitae), Labcorp
Classification: Uncertain significance for Multiple mitochondrial dysfunctions syndrome 3; Hereditary spastic paraplegia 74. Last evaluated: 2024-12-09. Review status: criteria provided, single submitter. Criteria: Invitae Variant Classification Sherloc (09022015). Collection method: clinical testing. Allele origin: germline.
Comment: This sequence change replaces proline, which is neutral and non-polar, with leucine, which is neutral and non-polar, at codon 189 of the IBA57 protein (p.Pro189Leu). The frequency data for this variant in the population databases is considered unreliable, as metrics indicate poor data quality at this position in the gnomAD database. This variant has not been reported in the literature in individuals affected with IBA57-related conditions. ClinVar contains an entry for this variant (Variation ID: 1382888). Invitae Evidence Modeling of protein sequence and biophysical properties (such as structural, functional, and spatial information, amino acid conservation, physicochemical variation, residue mobility, and thermodynamic stability) has been performed for this missense variant. However, the output from this modeling did not meet the statistical confidence thresholds required to predict the impact of this variant on IBA57 protein function. In summary, the available evidence is currently insufficient to determine the role of this variant in disease. Therefore, it has been classified as a Variant of Uncertain Significance.

GeneDx
Classification: Uncertain significance. Last evaluated: 2024-02-29. Review status: criteria provided, single submitter. Criteria: GeneDx Variant Classification Process June 2021. Collection method: clinical testing. Allele origin: germline.
Comment: Not observed at significant frequency in large population cohorts (gnomAD); In silico analysis supports that this missense variant has a deleterious effect on protein structure/function; Has not been previously published as pathogenic or benign to our knowledge